The following is an entry in ClinVar:

ClinVar aggregate classification (germline): Uncertain significance (1 of 4 stars; one submission).

gnomAD v4.1: 1 of 1,613,440 alleles (0.000062%); highest among the groups gnomAD compares: East Asian, 0.0022%; no homozygotes.

Submission:

Ambry Genetics
Classification: Uncertain significance. Last evaluated: 2024-11-10. Review status: criteria provided, single submitter. Criteria: Ambry Variant Classification Scheme 2023. Collection method: clinical testing. Allele origin: germline.
Comment: The p.V516M variant (also known as c.1546G>A), located in coding exon 10 of the MYOM1 gene, results from a G to A substitution at nucleotide position 1546. The valine at codon 516 is replaced by methionine, an amino acid with highly similar properties. This amino acid position is conserved. In addition, the in silico prediction for this alteration is inconclusive. Based on the available evidence, the clinical significance of this variant remains unclear.

NM_003803.4(MYOM1):c.1546G>A (p.Val516Met)

Gene: MYOM1 (myomesin 1; minus strand). Cytogenetic location: 18p11.31.
Variant type: single nucleotide variant.
Coding change: c.1546G>A on transcript NM_003803.4 (MANE Select); coding-DNA position 1546, G replaced by A.
Protein change: p.Val516Met; replaces valine 516 with methionine.
Molecular consequence: missense variant.
Genome position (GRCh38, 1-based): chr18:3,155,044, C>T on the plus strand (G>A on the coding strand, the complement: MYOM1 is on the minus strand). VCF-style: chr18-3155044-C-T. GRCh37 (hg19) VCF-style: chr18-3155042-C-T.
Other names: c.1546G>A, p.Val516Met (NM_019856.2); short protein forms V516M.
Identifiers: ClinVar variation 3401866 (VCV003401866.1).